The following is an entry in ClinVar:

NM_003239.5(TGFB3):c.245A>G (p.Glu82Gly)

Gene: TGFB3 (transforming growth factor beta 3; minus strand). Cytogenetic location: 14q24.3.
Variant type: single nucleotide variant.
Coding change: c.245A>G on transcript NM_003239.5 (MANE Select); coding-DNA position 245, A replaced by G.
Protein change: p.Glu82Gly; replaces glutamic acid 82 with glycine.
Molecular consequence: missense variant.
Genome position (GRCh38, 1-based): chr14:75,980,649, T>C on the plus strand (A>G on the coding strand, the complement: TGFB3 is on the minus strand). VCF-style: chr14-75980649-T-C. GRCh37 (hg19) VCF-style: chr14-76446992-T-C.
Other names: c.245A>G, p.Glu82Gly (NM_001329938.2, NM_001329939.2); short protein forms E82G.
Identifiers: ClinVar variation 4770744 (VCV004770744.1).

ClinVar aggregate classification (germline): Uncertain significance (1 of 4 stars; one submission).

Conditions:
Rienhoff syndrome. Also called: LOEYS-DIETZ SYNDROME 5. Identifiers: MedGen C3810012, MONDO:0014262, OMIM 615582.

gnomAD v4.1: 4 of 1,614,168 alleles (0.00025%); highest among the groups gnomAD compares: Non-Finnish European, 0.00034%; no homozygotes.

Submission:

Labcorp Genetics (formerly Invitae), Labcorp
Classification: Uncertain significance for Rienhoff syndrome. Last evaluated: 2025-11-05. Review status: criteria provided, single submitter. Criteria: Invitae Variant Classification Sherloc (09022015). Collection method: clinical testing. Allele origin: germline.
Comment: This sequence change replaces glutamic acid, which is acidic and polar, with glycine, which is neutral and non-polar, at codon 82 of the TGFB3 protein (p.Glu82Gly). This variant is present in population databases (rs766677704, gnomAD 0.0009%). This missense change has been observed in individual(s) with clinical features of Loeys Dietz syndrome (internal data). Invitae Evidence Modeling of protein sequence and biophysical properties (such as structural, functional, and spatial information, amino acid conservation, physicochemical variation, residue mobility, and thermodynamic stability) indicates that this missense variant is not expected to disrupt TGFB3 protein function with a negative predictive value of 80%. In summary, the available evidence is currently insufficient to determine the role of this variant in disease. Therefore, it has been classified as a Variant of Uncertain Significance.